The following is an entry in ClinVar:

ClinVar aggregate classification (germline): Uncertain significance (1 of 4 stars; one submission).

Conditions:
Hereditary cancer-predisposing syndrome. Also called: Neoplastic Syndromes, Hereditary; Tumor predisposition; Hereditary Cancer Syndrome; Hereditary neoplastic syndrome. Identifiers: Orphanet 140162, MedGen C0027672, MeSH D009386, MONDO:0015356.
Familial thoracic aortic aneurysm and aortic dissection (TAAD). Also called: Thoracic aortic aneurysms and dissections. Identifiers: Orphanet 91387, MedGen C4707243, MONDO:0019625.

Submission:

Ambry Genetics
Classification: Uncertain significance for Hereditary cancer-predisposing syndrome; Familial thoracic aortic aneurysm and aortic dissection. Last evaluated: 2021-11-17. Review status: criteria provided, single submitter. Criteria: Ambry Variant Classification Scheme 2023. Collection method: clinical testing. Allele origin: germline.
Comment: The p.I74M variant (also known as c.222A>G), located in coding exon 1 of the SMAD4 gene, results from an A to G substitution at nucleotide position 222. The isoleucine at codon 74 is replaced by methionine, an amino acid with highly similar properties. This amino acid position is highly conserved in available vertebrate species. In addition, this alteration is predicted to be deleterious by in silico analysis. Since supporting evidence is limited at this time, the clinical significance of this alteration remains unclear.

NM_005359.6(SMAD4):c.222A>G (p.Ile74Met)

Gene: SMAD4 (SMAD family member 4; plus strand). Cytogenetic location: 18q21.2.
Variant type: single nucleotide variant.
Coding change: c.222A>G on transcript NM_005359.6 (MANE Select); coding-DNA position 222, A replaced by G.
Protein change: p.Ile74Met; replaces isoleucine 74 with methionine.
Molecular consequence: missense variant.
Genome position (GRCh38, 1-based): chr18:51,047,268, A>G. VCF-style: chr18-51047268-A-G. GRCh37 (hg19) VCF-style: chr18-48573638-A-G.
Other names: c.222A>G, p.Ile74Met (NM_001407041.1, NM_001407042.1, NM_001407043.1); short protein forms I74M.
Identifiers: ClinVar variation 1788064 (VCV001788064.2), dbSNP rs2144401787, ClinGen allele CA402458089.